The following is an entry in ClinVar:

ClinVar aggregate classification (germline): Uncertain significance (1 of 4 stars; one submission).

Submission:

Ambry Genetics
Classification: Uncertain significance. Last evaluated: 2023-06-01. Review status: criteria provided, single submitter. Criteria: Ambry Variant Classification Scheme 2023. Collection method: clinical testing. Allele origin: germline.
Comment: The p.R1126G variant (also known as c.3376A>G), located in coding exon 2 of the MLH3 gene, results from an A to G substitution at nucleotide position 3376. The arginine at codon 1126 is replaced by glycine, an amino acid with dissimilar properties. This amino acid position is conserved. In addition, this alteration is predicted to be tolerated by in silico analysis. Since supporting evidence is limited at this time, the clinical significance of this alteration remains unclear.

NM_001040108.2(MLH3):c.3376A>G (p.Arg1126Gly)

Gene: MLH3 (mutL homolog 3; minus strand). Cytogenetic location: 14q24.3.
Variant type: single nucleotide variant.
Coding change: c.3376A>G on transcript NM_001040108.2 (MANE Select); coding-DNA position 3376, A replaced by G.
Protein change: p.Arg1126Gly; replaces arginine 1126 with glycine.
Molecular consequence: missense variant.
Genome position (GRCh38, 1-based): chr14:75,042,382, T>C on the plus strand (A>G on the coding strand, the complement: MLH3 is on the minus strand). VCF-style: chr14-75042382-T-C. GRCh37 (hg19) VCF-style: chr14-75509085-T-C.
Other names: c.3376A>G, p.Arg1126Gly (NM_014381.3); short protein forms R1126G.
Identifiers: ClinVar variation 2563579 (VCV002563579.2), dbSNP rs2503219320, ClinGen allele CA390431617.
Genomic context (GRCh38, chr14:75,042,382, plus strand): 5'-TTTGAGTTAGGTGGTACGATGTGTACTGTGTGCCCCAGCACTCTCTGCCACCCTTACCTC[T>C]GTTATCCTGTCTCATCACAGTCCTCTCTGCTCGAGCTCTCGGAAGGAAAGGAAGAACAAG-3'
Protein context (NP_001035197.1, residues 1116-1136): AERTVMRQDN[Arg1126Gly]DTVDDTVSSE